The following is an entry in ClinVar:

NM_004326.4(BCL9):c.1704_1706del (p.Met568del)

Gene: BCL9 (BCL9 transcription coactivator; plus strand). Cytogenetic location: 1q21.2.
Variant type: Deletion.
Coding change: c.1704_1706del on transcript NM_004326.4 (MANE Select); coding-DNA positions 1704 to 1706, 3 bases deleted (GAT; older notation c.1704_1706delGAT).
Protein change: p.Met568del; deletes methionine 568.
Genome position (GRCh38, 1-based): chr1:147,619,859-147,619,861, GAT deleted; deleting any 3 consecutive bases within chr1:147,619,857-147,619,861 gives the same sequence; the c. name uses the placement nearest the transcript's 3' end. VCF-style (leftmost placement, unchanged base first): chr1-147619856-CATG-C. GRCh37 (hg19) VCF-style: chr1-147091662-CATG-C.
Other names: short protein forms M568del.
Identifiers: ClinVar variation 3049330 (VCV003049330.2), dbSNP rs587603499, ClinGen allele CA1064617.

ClinVar aggregate classification (germline): Likely benign (0 of 4 stars; one submission).

Conditions:
BCL9-related disorder. Also called: BCL9-related condition.

Submission:

PreventionGenetics, part of Exact Sciences
Classification: Likely benign for BCL9-related condition. Last evaluated: 2023-04-25. Review status: no assertion criteria provided. Collection method: clinical testing. Allele origin: germline.
Comment: This variant is classified as likely benign based on ACMG/AMP sequence variant interpretation guidelines (Richards et al. 2015 PMID: 25741868, with internal and published modifications).